The following is an entry in ClinVar:

ClinVar aggregate classification (germline): Conflicting classifications of pathogenicity. Review status: criteria provided, conflicting classifications (1 of 4 stars). 4 submissions from 3 submitters: Uncertain significance (3); Likely benign (1). Last evaluated 2024-05-13.

Conditions:
PHGDH deficiency. Identifiers: Orphanet 79351, MedGen C1866174, MONDO:0011152, OMIM 601815.
Inborn genetic diseases. Identifiers: MedGen C0950123, MeSH D030342.
Neu-Laxova syndrome 1 (NLS1). Identifiers: Orphanet 2671, Orphanet 583607, MedGen C4551478, MONDO:0009736, OMIM 256520. Disease mechanism: loss of function.

Allele frequency attached by ClinVar (database versions not stated): gnomAD 0.00002; gnomAD exomes 0.00004 and 0.00011; ExAC 0.00007; ESP Exome Variant Server 0.00008; TOPMed 0.00012.
gnomAD v4.1: 64 of 1,613,310 alleles (0.004%); highest among the groups gnomAD compares: Admixed American, 0.038%; no homozygotes.

Submissions (4):

Ambry Genetics
Classification: Likely benign for Inborn genetic diseases. Last evaluated: 2024-05-13. Review status: criteria provided, single submitter. Criteria: Ambry Variant Classification Scheme 2023. Collection method: clinical testing. Allele origin: germline.

Genome-Nilou Lab
Classification: Uncertain significance for Neu-Laxova syndrome 1. Last evaluated: 2023-04-11. Review status: criteria provided, single submitter. Criteria: ACMG Guidelines, 2015. Collection method: clinical testing. Allele origin: germline. Affected: no.

Genome-Nilou Lab
Classification: Uncertain significance for PHGDH deficiency. Last evaluated: 2023-04-11. Review status: criteria provided, single submitter. Criteria: ACMG Guidelines, 2015. Collection method: clinical testing. Allele origin: germline. Affected: no.

Labcorp Genetics (formerly Invitae), Labcorp
Classification: Uncertain significance for PHGDH deficiency. Last evaluated: 2022-08-17. Review status: criteria provided, single submitter. Criteria: Invitae Variant Classification Sherloc (09022015). Collection method: clinical testing. Allele origin: germline.
Comment: This sequence change replaces alanine, which is neutral and non-polar, with serine, which is neutral and polar, at codon 366 of the PHGDH protein (p.Ala366Ser). This variant is present in population databases (rs138515760, gnomAD 0.06%). This variant has not been reported in the literature in individuals affected with PHGDH-related conditions. ClinVar contains an entry for this variant (Variation ID: 647932). Algorithms developed to predict the effect of missense changes on protein structure and function output the following: SIFT: "Tolerated"; PolyPhen-2: "Benign"; Align-GVGD: "Class C0". The serine amino acid residue is found in multiple mammalian species, which suggests that this missense change does not adversely affect protein function. In summary, the available evidence is currently insufficient to determine the role of this variant in disease. Therefore, it has been classified as a Variant of Uncertain Significance.

NM_006623.4(PHGDH):c.1096G>T (p.Ala366Ser)

Gene: PHGDH (phosphoglycerate dehydrogenase; plus strand). Cytogenetic location: 1p12.
Variant type: single nucleotide variant.
Coding change: c.1096G>T on transcript NM_006623.4 (MANE Select); coding-DNA position 1096, G replaced by T.
Protein change: p.Ala366Ser; replaces alanine 366 with serine.
Molecular consequence: missense variant.
Genome position (GRCh38, 1-based): chr1:119,741,784, G>T. VCF-style: chr1-119741784-G-T. GRCh37 (hg19) VCF-style: chr1-120284407-G-T.
Other names: short protein forms A366S.
Identifiers: ClinVar variation 647932 (VCV000647932.5), dbSNP rs138515760, ClinGen allele CA1037361.